The following is an entry in ClinVar:

ClinVar aggregate classification (germline): Uncertain significance. Review status: criteria provided, multiple submitters, no conflicts (2 of 4 stars). 2 submissions from 2 submitters: Uncertain significance (2). Last evaluated 2025-07-09.

Allele frequency attached by ClinVar (database versions not stated): gnomAD exomes 0.00002; TOPMed 0.00002; ExAC 0.00004.
gnomAD v4.1: 39 of 1,614,068 alleles (0.0024%); highest among the groups gnomAD compares: African/African-American, 0.004%; no homozygotes.

Submissions (2):

Labcorp Genetics (formerly Invitae), Labcorp
Classification: Uncertain significance. Last evaluated: 2025-07-09. Review status: criteria provided, single submitter. Criteria: Invitae Variant Classification Sherloc (09022015). Collection method: clinical testing. Allele origin: germline.
Comment: This sequence change replaces alanine, which is neutral and non-polar, with valine, which is neutral and non-polar, at codon 155 of the PLTP protein (p.Ala155Val). This variant is present in population databases (rs750514361, gnomAD 0.008%). This variant has not been reported in the literature in individuals affected with PLTP-related conditions. ClinVar contains an entry for this variant (Variation ID: 2405975). An algorithm developed to predict the effect of missense changes on protein structure and function outputs the following: PolyPhen-2: "Benign". The valine amino acid residue is found in multiple mammalian species, which suggests that this missense change does not adversely affect protein function. In summary, the available evidence is currently insufficient to determine the role of this variant in disease. Therefore, it has been classified as a Variant of Uncertain Significance.

Ambry Genetics
Classification: Uncertain significance. Last evaluated: 2021-08-04. Review status: criteria provided, single submitter. Criteria: Ambry Variant Classification Scheme 2023. Collection method: clinical testing. Allele origin: germline.

NM_006227.4(PLTP):c.464C>T (p.Ala155Val)

Gene: PLTP (phospholipid transfer protein; minus strand). Cytogenetic location: 20q13.12.
Variant type: single nucleotide variant.
Coding change: c.464C>T on transcript NM_006227.4 (MANE Select); coding-DNA position 464, C replaced by T.
Protein change: p.Ala155Val; replaces alanine 155 with valine.
Molecular consequence: missense variant. On other transcripts: intron variant (2).
Genome position (GRCh38, 1-based): chr20:45,909,537, G>A on the plus strand (C>T on the coding strand, the complement: PLTP is on the minus strand). VCF-style: chr20-45909537-G-A. GRCh37 (hg19) VCF-style: chr20-44538176-G-A.
Other names: c.200C>T, p.Ala67Val (NM_001242921.1); c.200+1615C>T (NM_001242920.2); c.329+405C>T (NM_182676.3); short protein forms A155V, A67V.
Identifiers: ClinVar variation 2405975 (VCV002405975.3), dbSNP rs750514361, ClinGen allele CA9883872.